The following is an entry in ClinVar:

NM_001999.4(FBN2):c.4594+3A>G

Gene: FBN2 (fibrillin 2; minus strand). Cytogenetic location: 5q23.3.
Variant type: single nucleotide variant.
Coding change: c.4594+3A>G on transcript NM_001999.4 (MANE Select); 3 bases into the intron after coding-DNA position 4594, A replaced by G.
Molecular consequence: intron variant.
Genome position (GRCh38, 1-based): chr5:128,318,876, T>C on the plus strand (A>G on the coding strand, the complement: FBN2 is on the minus strand). VCF-style: chr5-128318876-T-C. GRCh37 (hg19) VCF-style: chr5-127654568-T-C.
Identifiers: ClinVar variation 1929377 (VCV001929377.6), dbSNP rs2126854509, ClinGen allele CA2580072575.

ClinVar aggregate classification (germline): Conflicting classifications of pathogenicity. Review status: criteria provided, conflicting classifications (1 of 4 stars). 2 submissions from 2 submitters: Pathogenic (1); Uncertain significance (1). Last evaluated 2026-03-05.

Conditions:
Congenital contractural arachnodactyly (CCA). Also called: Arthrogryposis, distal, type 9; BEALS SYNDROME; Beals-Hecht syndrome. Identifiers: Orphanet 115, MedGen C0220668, MONDO:0007363, OMIM 121050.

Submissions (2):

Mendelics
Classification: Pathogenic for Congenital contractural arachnodactyly. Last evaluated: 2026-03-05. Review status: criteria provided, single submitter. Criteria: ACMG Guidelines, 2015. Collection method: clinical testing. Allele origin: unknown.
Comment: Likely pathogenic/Pathogenic according to ACMG criteria.

Labcorp Genetics (formerly Invitae), Labcorp
Classification: Uncertain significance for Congenital contractural arachnodactyly. Last evaluated: 2022-07-01. Review status: criteria provided, single submitter. Criteria: Invitae Variant Classification Sherloc (09022015). Collection method: clinical testing. Allele origin: germline.
Comment: In summary, the available evidence is currently insufficient to determine the role of this variant in disease. Therefore, it has been classified as a Variant of Uncertain Significance. Variants that disrupt the consensus splice site are a relatively common cause of aberrant splicing (PMID: 17576681, 9536098). Studies have shown that this variant is associated with altered splicing resulting in multiple RNA products (PMID: 32123317). This variant has been observed in individual(s) with FBN2-related conditions (Invitae). This variant is not present in population databases (gnomAD no frequency). This sequence change falls in intron 35 of the FBN2 gene. It does not directly change the encoded amino acid sequence of the FBN2 protein. It affects a nucleotide within the consensus splice site.

Literature cited by the submitters: PubMed 17576681 (cited by Labcorp Genetics (formerly Invitae), Labcorp); PubMed 9536098 (cited by Labcorp Genetics (formerly Invitae), Labcorp); PubMed 32123317 (cited by Labcorp Genetics (formerly Invitae), Labcorp).